The following is an entry in ClinVar:

ClinVar aggregate classification (germline): Pathogenic (1 of 4 stars; one submission).

Conditions:
MHC class II deficiency. Also called: BLS, TYPE II; Bare lymphocyte syndrome 2. Identifiers: Orphanet 572, MedGen C5447452, MONDO:0008855.

Submission:

Labcorp Genetics (formerly Invitae), Labcorp
Classification: Pathogenic for MHC class II deficiency. Last evaluated: 2026-01-21. Review status: criteria provided, single submitter. Criteria: Invitae Variant Classification Sherloc (09022015). Collection method: clinical testing. Allele origin: germline.
Comment: This sequence change creates a premature translational stop signal (p.Gln67Serfs*21) in the RFX5 gene. It is expected to result in an absent or disrupted protein product. Loss-of-function variants in RFX5 are known to be pathogenic (PMID: 7744245, 9401005, 10079298). This variant is present in population databases (no rsID available, gnomAD 0.009%). This variant has not been reported in the literature in individuals affected with RFX5-related conditions. Algorithms developed to predict the effect of sequence changes on RNA splicing suggest that this variant may disrupt the consensus splice site. For these reasons, this variant has been classified as Pathogenic.

Literature cited by the submitters: PubMed 7744245; PubMed 9401005; PubMed 10079298.

NM_001025603.2(RFX5):c.198dup (p.Gln67fs)

Gene: RFX5 (regulatory factor X5; minus strand). Cytogenetic location: 1q21.3.
Variant type: Duplication.
Coding change: c.198dup on transcript NM_001025603.2 (MANE Select); coding-DNA position 198, one base duplicated (T; older notation c.198dupT).
Protein change: p.Gln67fs; shifts the reading frame from glutamine 67.
Molecular consequence: frameshift variant.
Genome position (GRCh38, 1-based): chr1:151,345,141, A duplicated on the plus strand (T on the coding strand, the reverse complement: RFX5 is on the minus strand); the first of 2 consecutive A bases (chr1:151,345,141-151,345,142); duplicating either gives the same sequence. VCF-style (leftmost placement, unchanged base first): chr1-151345140-G-GA. GRCh37 (hg19) VCF-style: chr1-151317616-G-GA.
Other names: c.198dup, p.Gln67fs (NM_001379420.1, NM_000449.4, NM_001379412.1 and 7 more transcripts); short protein forms Q67fs.
Identifiers: ClinVar variation 4744546 (VCV004744546.1).
Genomic context (GRCh38, chr1:151,345,140, plus strand): 5'-CCATCTAAAACTACTATCAAACCTACCTTTTGTCTCCAGTGGTGGGTCCTGAGGGGAGCT[G>GA]AAGGTAGAGATACAGCTTGTCATTGTCAGAAAATTTCTGTACATCTTGCTGAGGTAGGAG-3'